The following is an entry in ClinVar:

ClinVar aggregate classification (germline): Uncertain significance (1 of 4 stars; one submission).

gnomAD v4.1: 40 of 1,497,856 alleles (0.0027%); highest among the groups gnomAD compares: East Asian, 0.066%; no homozygotes.

Submission:

Labcorp Genetics (formerly Invitae), Labcorp
Classification: Uncertain significance. Last evaluated: 2024-07-23. Review status: criteria provided, single submitter. Criteria: Invitae Variant Classification Sherloc (09022015). Collection method: clinical testing. Allele origin: germline.
Comment: This sequence change replaces proline, which is neutral and non-polar, with leucine, which is neutral and non-polar, at codon 726 of the DHX37 protein (p.Pro726Leu). This variant is present in population databases (rs749064803, gnomAD 0.03%). This variant has not been reported in the literature in individuals affected with DHX37-related conditions. Advanced modeling of protein sequence and biophysical properties (such as structural, functional, and spatial information, amino acid conservation, physicochemical variation, residue mobility, and thermodynamic stability) performed at Invitae indicates that this missense variant is expected to disrupt DHX37 protein function with a positive predictive value of 80%. In summary, the available evidence is currently insufficient to determine the role of this variant in disease. Therefore, it has been classified as a Variant of Uncertain Significance.

NM_032656.4(DHX37):c.2177C>T (p.Pro726Leu)

Gene: DHX37 (DEAH-box helicase 37; minus strand). Cytogenetic location: 12q24.31.
Variant type: single nucleotide variant.
Coding change: c.2177C>T on transcript NM_032656.4 (MANE Select); coding-DNA position 2177, C replaced by T.
Protein change: p.Pro726Leu; replaces proline 726 with leucine.
Molecular consequence: missense variant.
Genome position (GRCh38, 1-based): chr12:124,957,116, G>A on the plus strand (C>T on the coding strand, the complement: DHX37 is on the minus strand). VCF-style: chr12-124957116-G-A. GRCh37 (hg19) VCF-style: chr12-125441662-G-A.
Other names: short protein forms P726L.
Identifiers: ClinVar variation 3702667 (VCV003702667.2).